The following is an entry in ClinVar:

NC_000008.10:g.(?_117859739)_(117861288_?)dup

Gene: RAD21 (RAD21 cohesin complex component; minus strand). Cytogenetic location: 8q24.11.
Variant type: Duplication.
Identifiers: ClinVar variation 3245528 (VCV003245528.1).

ClinVar aggregate classification (germline): Uncertain significance (1 of 4 stars; one submission).

Conditions:
Cornelia de Lange syndrome 4 (CDLS4). Also called: RAD21-Related Cornelia de Lange Syndrome; CORNELIA DE LANGE SYNDROME 4 WITH OR WITHOUT MIDLINE BRAIN DEFECTS. Identifiers: Orphanet 199, MedGen C3553517, MONDO:0013864, OMIM 614701.

Submission:

Labcorp Genetics (formerly Invitae), Labcorp
Classification: Uncertain significance for Cornelia de Lange syndrome 4. Last evaluated: 2023-11-02. Review status: criteria provided, single submitter. Criteria: Invitae Variant Classification Sherloc (09022015). Collection method: clinical testing. Allele origin: unknown.
Comment: This variant results in a copy number gain of the genomic region encompassing exon(s) 13-14 of the RAD21 gene. This region includes the termination codon of the gene. This copy number gain extends beyond the assayed region for this gene and therefore may encompass additional genes. As the precise location of this event is unknown, it may be in tandem or it may be located elsewhere in the genome. This variant has not been reported in the literature in individuals affected with RAD21-related conditions. In summary, the available evidence is currently insufficient to determine the role of this variant in disease. Therefore, it has been classified as a Variant of Uncertain Significance.